The following is an entry in ClinVar:

NM_002206.3(ITGA7):c.1090C>T (p.His364Tyr)

Gene: ITGA7 (integrin subunit alpha 7; minus strand). Cytogenetic location: 12q13.2.
Variant type: single nucleotide variant.
Coding change: c.1090C>T on transcript NM_002206.3 (MANE Select); coding-DNA position 1090, C replaced by T.
Protein change: p.His364Tyr; replaces histidine 364 with tyrosine.
Molecular consequence: missense variant. On other transcripts: 5 prime UTR variant (1).
Genome position (GRCh38, 1-based): chr12:55,698,485, G>A on the plus strand (C>T on the coding strand, the complement: ITGA7 is on the minus strand). VCF-style: chr12-55698485-G-A. GRCh37 (hg19) VCF-style: chr12-56092269-G-A.
Other names: c.1102C>T, p.His368Tyr (NM_001144996.2, NM_001414029.1); c.811C>T, p.His271Tyr (NM_001144997.2); c.763C>T, p.His255Tyr (NM_001367993.1); c.-203C>T (NM_001367994.1); c.1090C>T, p.His364Tyr (NM_001374465.1, NM_001414034.1); c.1222C>T, p.His408Tyr (NM_001410977.1); c.970C>T, p.His324Tyr (NM_001414032.1); c.907C>T, p.His303Tyr (NM_001414033.1); and 1 more; short protein forms H271Y, H255Y, H303Y, H251Y, H324Y, H364Y, H368Y, H408Y.
Identifiers: ClinVar variation 2130441 (VCV002130441.4), dbSNP rs2539804282, ClinGen allele CA385190272.

ClinVar aggregate classification (germline): Uncertain significance (1 of 4 stars; one submission).

Conditions:
Congenital muscular dystrophy due to integrin alpha-7 deficiency. Also called: MYOPATHY, CONGENITAL, DUE TO INTEGRIN ALPHA-7 DEFICIENCY; Congenital muscular dystrophy with integrin alpha-7 deficiency; Muscular dystrophy, congenital, due to ITGA7 deficiency. Identifiers: Orphanet 34520, MedGen C2750786, MONDO:0013177, OMIM 613204.

Submission:

Labcorp Genetics (formerly Invitae), Labcorp
Classification: Uncertain significance for Congenital muscular dystrophy due to integrin alpha-7 deficiency. Last evaluated: 2022-04-25. Review status: criteria provided, single submitter. Criteria: Invitae Variant Classification Sherloc (09022015). Collection method: clinical testing. Allele origin: germline.
Comment: This variant is not present in population databases (gnomAD no frequency). In summary, the available evidence is currently insufficient to determine the role of this variant in disease. Therefore, it has been classified as a Variant of Uncertain Significance. Algorithms developed to predict the effect of missense changes on protein structure and function (SIFT, PolyPhen-2, Align-GVGD) all suggest that this variant is likely to be tolerated. This variant has not been reported in the literature in individuals affected with ITGA7-related conditions. This sequence change replaces histidine, which is basic and polar, with tyrosine, which is neutral and polar, at codon 364 of the ITGA7 protein (p.His364Tyr).